The following is an entry in ClinVar:

NM_006796.3(AFG3L2):c.1952G>A (p.Arg651Lys)

Gene: AFG3L2 (AFG3 like matrix AAA peptidase subunit 2; minus strand). Cytogenetic location: 18p11.21.
Variant type: single nucleotide variant.
Coding change: c.1952G>A on transcript NM_006796.3 (MANE Select); coding-DNA position 1952, G replaced by A.
Protein change: p.Arg651Lys; replaces arginine 651 with lysine.
Molecular consequence: missense variant.
Genome position (GRCh38, 1-based): chr18:12,340,229, C>T on the plus strand (G>A on the coding strand, the complement: AFG3L2 is on the minus strand). VCF-style: chr18-12340229-C-T. GRCh37 (hg19) VCF-style: chr18-12340228-C-T.
Other names: short protein forms R651K.
Identifiers: ClinVar variation 3652813 (VCV003652813.2).

ClinVar aggregate classification (germline): Uncertain significance (1 of 4 stars; one submission).

gnomAD v4.1: 1 of 1,614,100 alleles (0.000062%); highest among the groups gnomAD compares: South Asian, 0.0011%; no homozygotes.

Submission:

Labcorp Genetics (formerly Invitae), Labcorp
Classification: Uncertain significance. Last evaluated: 2024-11-21. Review status: criteria provided, single submitter. Criteria: Invitae Variant Classification Sherloc (09022015). Collection method: clinical testing. Allele origin: germline.
Comment: This sequence change replaces arginine, which is basic and polar, with lysine, which is basic and polar, at codon 651 of the AFG3L2 protein (p.Arg651Lys). The frequency data for this variant in the population databases is considered unreliable, as metrics indicate poor data quality at this position in the gnomAD database. This variant has not been reported in the literature in individuals affected with AFG3L2-related conditions. Invitae Evidence Modeling of protein sequence and biophysical properties (such as structural, functional, and spatial information, amino acid conservation, physicochemical variation, residue mobility, and thermodynamic stability) indicates that this missense variant is not expected to disrupt AFG3L2 protein function with a negative predictive value of 95%. In summary, the available evidence is currently insufficient to determine the role of this variant in disease. Therefore, it has been classified as a Variant of Uncertain Significance.